The following is an entry in ClinVar:

ClinVar aggregate classification (germline): Likely benign (1 of 4 stars; one submission).

gnomAD v4.1: 1 of 1,614,204 alleles (0.000062%); no homozygotes.

Submission:

CeGaT Center for Human Genetics Tuebingen
Classification: Likely benign. Last evaluated: 2026-05-01. Review status: criteria provided, single submitter. Criteria: CeGaT Center For Human Genetics Tuebingen Variant Classification Criteria Version 2. Collection method: clinical testing. Allele origin: germline. Affected: yes. Observed: 1 variant allele.
Comment: PIGV: BP4, BP7

NM_017837.4(PIGV):c.849G>A (p.Lys283=)

Gene: PIGV (phosphatidylinositol glycan anchor biosynthesis class V; plus strand). Cytogenetic location: 1p36.11.
Variant type: single nucleotide variant.
Coding change: c.849G>A on transcript NM_017837.4 (MANE Select); coding-DNA position 849, G replaced by A.
Protein change: p.Lys283=; no amino-acid change (lysine 283 retained).
Molecular consequence: synonymous variant. On other transcripts: non-coding transcript variant (1), intron variant (1).
Genome position (GRCh38, 1-based): chr1:26,794,883, G>A. VCF-style: chr1-26794883-G-A. GRCh37 (hg19) VCF-style: chr1-27121374-G-A.
Other names: c.849G>A, p.Lys283= (NM_001202554.2, NM_001374478.1, NM_001374480.1 and 2 more transcripts); c.468G>A, p.Lys156= (NM_001374483.1); c.222G>A, p.Lys74= (NM_001374484.1, NM_001374485.1); c.79-2680G>A (NM_001374486.1).
Identifiers: ClinVar variation 4873415 (VCV004873415.2).